The following is an entry in ClinVar:

NM_015270.5(ADCY6):c.186G>T (p.Arg62=)

Gene: ADCY6 (adenylate cyclase 6; minus strand). Cytogenetic location: 12q13.12.
Variant type: single nucleotide variant.
Coding change: c.186G>T on transcript NM_015270.5 (MANE Select); coding-DNA position 186, G replaced by T.
Protein change: p.Arg62=; no amino-acid change (arginine 62 retained).
Molecular consequence: synonymous variant.
Genome position (GRCh38, 1-based): chr12:48,783,249, C>A on the plus strand (G>T on the coding strand, the complement: ADCY6 is on the minus strand). VCF-style: chr12-48783249-C-A. GRCh37 (hg19) VCF-style: chr12-49177032-C-A.
Other names: NC_000012.11:g.49177032C>A.
Identifiers: ClinVar variation 737528 (VCV000737528.22), dbSNP rs375113808, ClinGen allele CA6541638.
Genomic context (GRCh38, chr12:48,783,249, plus strand): 5'-CAGCTCCTTGCCCTTGCCTGGGCCGCCCCTCCGGATGAAGGCGTCATCCTGCCAGGGGCA[C>A]CGAGGGGGGCCCGCAGGGGTGGGGCTGGGTGGCTCTGCATCCCGGAGGCAGCTCATATAG-3'
Protein context (NP_056085.1, residues 52-72): PPSPTPAGPP[Arg62=]CPWQDDAFIR

ClinVar aggregate classification (germline): Likely benign. Review status: criteria provided, multiple submitters, no conflicts (2 of 4 stars). 2 submissions from 2 submitters: Likely benign (2). Last evaluated 2024-06-01.

Allele frequency attached by ClinVar (database versions not stated): gnomAD exomes 0.00017 and 0.00034; ExAC 0.00019; ESP Exome Variant Server 0.00023; TOPMed 0.00031; gnomAD 0.00034 and 0.00036.
gnomAD v4.1: 541 of 1,609,908 alleles (0.034%); highest among the groups gnomAD compares: Non-Finnish European, 0.042%; no homozygotes.

Submissions (5):

CeGaT Center for Human Genetics Tuebingen
Classification: Likely benign. Last evaluated: 2024-06-01. Review status: criteria provided, single submitter. Criteria: CeGaT Center For Human Genetics Tuebingen Variant Classification Criteria Version 2. Collection method: clinical testing. Allele origin: germline. Affected: yes. Observed: 1 variant allele.
Comment: ADCY6: BP4, BP7

Labcorp Genetics (formerly Invitae), Labcorp
Classification: Likely benign. Last evaluated: 2018-10-23. Review status: criteria provided, single submitter. Criteria: Invitae Variant Classification Sherloc (09022015). Collection method: clinical testing. Allele origin: germline.

Dr. Peter K. Rogan Lab, Western University
No classification provided (evidence only). Condition: Melanoma. Review status: no classification provided. Collection method: in vitro. Allele origin: not applicable. Functional consequence: retained intron. Not counted in ClinVar's aggregate classification.

Dr. Peter K. Rogan Lab, Western University
No classification provided (evidence only). Condition: Familial cancer of breast. Review status: no classification provided. Collection method: in vitro. Allele origin: not applicable. Functional consequence: retained intron. Not counted in ClinVar's aggregate classification.

Dr. Peter K. Rogan Lab, Western University
No classification provided (evidence only). Condition: Uterine corpus endometrial carcinoma. Review status: no classification provided. Collection method: in vitro. Allele origin: not applicable. Functional consequence: retained intron. Not counted in ClinVar's aggregate classification.